The following is an entry in ClinVar:

NM_001036.6(RYR3):c.11555T>C (p.Met3852Thr)

Gene: RYR3 (ryanodine receptor 3; plus strand). Cytogenetic location: 15q14.
Variant type: single nucleotide variant.
Coding change: c.11555T>C on transcript NM_001036.6 (MANE Select); coding-DNA position 11555, T replaced by C.
Protein change: p.Met3852Thr; replaces methionine 3852 with threonine.
Molecular consequence: missense variant.
Genome position (GRCh38, 1-based): chr15:33,835,059, T>C. VCF-style: chr15-33835059-T-C. GRCh37 (hg19) VCF-style: chr15-34127260-T-C.
Other names: c.11540T>C, p.Met3847Thr (NM_001243996.4); short protein forms M3847T, M3852T.
Identifiers: ClinVar variation 1325529 (VCV001325529.1), dbSNP rs2152976640, ClinGen allele CA391591048.
Genomic context (GRCh38, chr15:33,835,059, plus strand): 5'-CTCACAGCAGGCTGTGGGACGCAGTGGTTGGCTTCCTCCATGTCTTTGCTAATATGCAGA[T>C]GAAACTCTCTCAGGTACTGTGGCCCATTCCCTGCACGTGTCATTGTTGTGAAATGCTAAG-3'
Protein context (NP_001027.3, residues 3842-3862): GFLHVFANMQ[Met3852Thr]KLSQDSSQIE

ClinVar aggregate classification (germline): Uncertain significance (1 of 4 stars; one submission).

Submission:

New York Genome Center
Classification: Uncertain significance. Last evaluated: 2020-05-07. Review status: criteria provided, single submitter. Criteria: NYGC Assertion Criteria 2020. Collection method: clinical testing. Allele origin: de novo. Affected: yes. Observed: 1 heterozygote. Study: CSER-NYCKidSeq.
Comment: The de novo c.11555T>C, p.Met3852Thr variant identified has not been reported in the literature in individuals with RYR3-related conditions. This variant is also not reported in gnomAD database indicating this is a rare variant and in silico tool predicts the variant is expected to be deleterious [PubMed PMID: 24681721]. Based on the available evidence, the de novo c.11555T>C,p.Met3852Thr variant in the RYR3 gene is classified as Variant of Uncertain Significance.